The following is an entry in ClinVar:

ClinVar aggregate classification (germline): Uncertain significance (1 of 4 stars; one submission).

Conditions:
Cardiovascular phenotype. Identifiers: MedGen CN230736.

Allele frequency attached by ClinVar (database versions not stated): gnomAD 0.00001; TOPMed 0.00001.
gnomAD v4.1: 1 of 1,540,260 alleles (0.000065%); highest among the groups gnomAD compares: African/African-American, 0.0014%; no homozygotes.

Submission:

Ambry Genetics
Classification: Uncertain significance for Cardiovascular phenotype. Last evaluated: 2023-10-15. Review status: criteria provided, single submitter. Criteria: Ambry Variant Classification Scheme 2023. Collection method: clinical testing. Allele origin: germline.
Comment: The p.N478T variant (also known as c.1433A>C), located in coding exon 16 of the CACNA2D1 gene, results from an A to C substitution at nucleotide position 1433. The asparagine at codon 478 is replaced by threonine, an amino acid with similar properties. This amino acid position is conserved. In addition, this alteration is predicted to be tolerated by in silico analysis. Since supporting evidence is limited at this time, the clinical significance of this alteration remains unclear.

NM_000722.4(CACNA2D1):c.1433A>C (p.Asn478Thr)

Gene: CACNA2D1 (calcium voltage-gated channel auxiliary subunit alpha2delta 1; minus strand). Cytogenetic location: 7q21.11.
Variant type: single nucleotide variant.
Coding change: c.1433A>C on transcript NM_000722.4 (MANE Select); coding-DNA position 1433, A replaced by C.
Protein change: p.Asn478Thr; replaces asparagine 478 with threonine.
Molecular consequence: missense variant.
Genome position (GRCh38, 1-based): chr7:82,007,686, T>G on the plus strand (A>C on the coding strand, the complement: CACNA2D1 is on the minus strand). VCF-style: chr7-82007686-T-G. GRCh37 (hg19) VCF-style: chr7-81637002-T-G.
Other names: c.1433A>C, p.Asn478Thr (NM_001366867.1); short protein forms N478T.
Identifiers: ClinVar variation 3232248 (VCV003232248.1), dbSNP rs745840414, ClinGen allele CA367877539.